The following is an entry in ClinVar:

ClinVar aggregate classification (germline): Benign. Review status: criteria provided, multiple submitters, no conflicts (2 of 4 stars). 2 submissions from 2 submitters: Benign (2). Last evaluated 2018-06-14.

Allele frequency attached by ClinVar (database versions not stated): TOPMed 0.42088; 1000 Genomes Project 30x 0.48688; 1000 Genomes Project 0.49141.
gnomAD v4.1: 490,414 of 1,269,880 alleles (39%); highest among the groups gnomAD compares: South Asian, 56%; 99,292 homozygotes.

Submissions (2):

GeneDx
Classification: Benign. Last evaluated: 2018-06-14. Review status: criteria provided, single submitter. Criteria: GeneDx Variant Classification (06012015). Collection method: clinical testing. Allele origin: germline. Affected: yes.
Comment: This variant is considered likely benign or benign based on one or more of the following criteria: it is a conservative change, it occurs at a poorly conserved position in the protein, it is predicted to be benign by multiple in silico algorithms, and/or has population frequency not consistent with disease.

Breakthrough Genomics
Classification: Benign. Review status: criteria provided, single submitter. Criteria: ACMG Guidelines, 2015. Collection method: not provided. Allele origin: germline. Inheritance: Autosomal recessive inheritance. Affected: yes.

NM_001244008.2(KIF1A):c.3749+53C>A

Gene: KIF1A (kinesin family member 1A; minus strand). Cytogenetic location: 2q37.3.
Variant type: single nucleotide variant.
Coding change: c.3749+53C>A on transcript NM_001244008.2 (MANE Select); 53 bases into the intron after coding-DNA position 3749, C replaced by A.
Molecular consequence: intron variant.
Genome position (GRCh38, 1-based): chr2:240,741,216, G>T on the plus strand (C>A on the coding strand, the complement: KIF1A is on the minus strand). VCF-style: chr2-240741216-G-T. GRCh37 (hg19) VCF-style: chr2-241680633-G-T.
Other names: c.3446+53C>A (NM_001379653.1, NM_001379650.1, NM_001379641.1 and 5 more transcripts); c.3722+53C>A (NM_001379645.1, NM_001379633.1, NM_001379642.1); c.3548+53C>A (NM_001379635.1, NM_001330290.2, NM_001379646.1 and 1 more transcripts); c.3443+53C>A (NM_001379640.1); c.3698+53C>A (NM_001379632.1); c.3521+53C>A (NM_001379637.1, NM_001379648.1); c.3473+53C>A (NM_001320705.2, NM_001379638.1, NM_001330289.2); c.3824+53C>A (NM_001379631.1).
Identifiers: ClinVar variation 670535 (VCV000670535.2), dbSNP rs4414678, ClinGen allele CA11053104.